The following is an entry in ClinVar:

NM_021096.4(CACNA1I):c.2905A>G (p.Ser969Gly)

Gene: CACNA1I (calcium voltage-gated channel subunit alpha1 I; plus strand). Cytogenetic location: 22q13.1.
Variant type: single nucleotide variant.
Coding change: c.2905A>G on transcript NM_021096.4 (MANE Select); coding-DNA position 2905, A replaced by G.
Protein change: p.Ser969Gly; replaces serine 969 with glycine.
Molecular consequence: missense variant.
Genome position (GRCh38, 1-based): chr22:39,661,968, A>G. VCF-style: chr22-39661968-A-G. GRCh37 (hg19) VCF-style: chr22-40057973-A-G.
Other names: c.2800A>G, p.Ser934Gly (NM_001003406.2); short protein forms S934G, S969G.
Identifiers: ClinVar variation 4278818 (VCV004278818.1).

ClinVar aggregate classification (germline): Uncertain significance (1 of 4 stars; one submission).

gnomAD v4.1: 3 of 1,526,324 alleles (0.0002%); highest among the groups gnomAD compares: African/African-American, 0.0043%; no homozygotes.

Submission:

GeneDx
Classification: Uncertain significance. Last evaluated: 2025-04-01. Review status: criteria provided, single submitter. Criteria: GeneDx Variant Classification Process June 2021. Collection method: clinical testing. Allele origin: germline. Affected: yes.
Comment: Not observed at significant frequency in large population cohorts (gnomAD); In silico analysis supports that this missense variant has a deleterious effect on protein structure/function; Has not been previously published as pathogenic or benign to our knowledge; In silico analysis is inconclusive as to whether the variant alters gene splicing. In the absence of RNA/functional studies, the actual effect of this sequence change is unknown.